The following is an entry in ClinVar:

NM_001365902.3(NFIX):c.1000G>A (p.Ala334Thr)

Gene: NFIX (nuclear factor I X; plus strand). Cytogenetic location: 19p13.13.
Variant type: single nucleotide variant.
Coding change: c.1000G>A on transcript NM_001365902.3 (MANE Select); coding-DNA position 1000, G replaced by A.
Protein change: p.Ala334Thr; replaces alanine 334 with threonine.
Molecular consequence: missense variant. On other transcripts: intron variant (3).
Genome position (GRCh38, 1-based): chr19:13,078,657, G>A. VCF-style: chr19-13078657-G-A. GRCh37 (hg19) VCF-style: chr19-13189471-G-A.
Other names: c.1024G>A, p.Ala342Thr (NM_001271043.2); c.976G>A, p.Ala326Thr (NM_001271044.3, NM_001378404.1); c.859G>A, p.Ala287Thr (NM_001365983.2); c.997G>A, p.Ala333Thr (NM_001365984.2, NM_001365985.2); c.1048G>A, p.Ala350Thr (NM_001378405.1); c.1000G>A, p.Ala334Thr (NM_002501.4); c.955+2986G>A (NM_001365982.2); c.931+2986G>A (NM_001440616.1, NM_001440617.1); short protein forms A287T, A326T, A333T, A334T, A342T, A350T.
Identifiers: ClinVar variation 4861040 (VCV004861040.1).

ClinVar aggregate classification (germline): Uncertain significance (1 of 4 stars; one submission).

Conditions:
Inborn genetic diseases. Identifiers: MedGen C0950123, MeSH D030342.

gnomAD v4.1: 22 of 1,600,452 alleles (0.0014%); highest among the groups gnomAD compares: Non-Finnish European, 0.0019%; no homozygotes.

Submission:

Ambry Genetics
Classification: Uncertain significance for Inborn genetic diseases. Last evaluated: 2026-04-16. Review status: criteria provided, single submitter. Criteria: Ambry Variant Classification Scheme 2023. Collection method: clinical testing. Allele origin: germline.
Comment: The c.1000G>A (p.A334T) alteration is located in exon 7 (coding exon 7) of the NFIX gene. This alteration results from a G to A substitution at nucleotide position 1000, causing the alanine (A) at amino acid position 334 to be replaced by a threonine (T). Based on data from gnomAD, the A allele has an overall frequency of <0.001% (1/222852) total alleles studied. The highest observed frequency was 0.001% (1/99920) of European (non-Finnish) alleles. Based on insufficient or conflicting evidence, the clinical significance of this alteration remains unclear.